The following is an entry in ClinVar:

NM_001375524.1(TRRAP):c.3068C>T (p.Thr1023Ile)

Gene: TRRAP (transformation/transcription domain associated protein; plus strand). Cytogenetic location: 7q22.1.
Variant type: single nucleotide variant.
Coding change: c.3068C>T on transcript NM_001375524.1 (MANE Select); coding-DNA position 3068, C replaced by T.
Protein change: p.Thr1023Ile; replaces threonine 1023 with isoleucine.
Molecular consequence: missense variant.
Genome position (GRCh38, 1-based): chr7:98,927,259, C>T. VCF-style: chr7-98927259-C-T. GRCh37 (hg19) VCF-style: chr7-98524882-C-T.
Other names: c.3068C>T, p.Thr1023Ile (NM_001244580.2, NM_003496.4); short protein forms T1023I.
Identifiers: ClinVar variation 1311248 (VCV001311248.2), dbSNP rs2116495057, ClinGen allele CA368297092.
Genomic context (GRCh38, chr7:98,927,259, plus strand): 5'-TCTCACATCGCTACAAAGCCCAGGACACTCCAGCCCGGAAGACTTTTGAGCAGGCCCTGA[C>T]AGGCGCCTTCATGTCTGCTGTCATTAAGGACCTGCGGCCCAGCGCCCTGCCCTTTGTCGC-3'
Protein context (NP_001362453.1, residues 1013-1033): PARKTFEQAL[Thr1023Ile]GAFMSAVIKD

ClinVar aggregate classification (germline): Uncertain significance (1 of 4 stars; one submission).

Submission:

GeneDx
Classification: Uncertain significance. Last evaluated: 2019-09-09. Review status: criteria provided, single submitter. Criteria: GeneDx Variant Classification Process June 2021. Collection method: clinical testing. Allele origin: germline. Affected: yes.
Comment: Not observed in large population cohorts (Lek et al., 2016); In silico analysis, which includes protein predictors and evolutionary conservation, supports a deleterious effect; Has not been previously published as pathogenic or benign to our knowledge